The following is an entry in ClinVar:

ClinVar aggregate classification (germline): Likely benign. Review status: criteria provided, multiple submitters, no conflicts (2 of 4 stars). 3 submissions from 3 submitters: Likely benign (3). Last evaluated 2025-10-07.

Conditions:
KCNT2-related disorder. Also called: KCNT2-related condition. Identifiers: MedGen CN236796.

Allele frequency attached by ClinVar (database versions not stated): 1000 Genomes Project 0.00040; ExAC 0.00090; gnomAD 0.00101; 1000 Genomes Project 30x 0.00109; TOPMed 0.00118; ESP Exome Variant Server 0.00123; gnomAD exomes 0.00195.
gnomAD v4.1: 3,005 of 1,612,572 alleles (0.19%); highest among the groups gnomAD compares: Non-Finnish European, 0.23%; 5 homozygotes.

Submissions (3):

PreventionGenetics, part of Exact Sciences
Classification: Likely benign for KCNT2-related condition. Last evaluated: 2025-10-07. Review status: criteria provided, single submitter. Criteria: ACMG Guidelines, 2015. Collection method: clinical testing. Allele origin: germline.
Comment: This variant is classified as likely benign based on ACMG/AMP sequence variant interpretation guidelines (Richards et al. 2015 PMID: 25741868, with internal and published modifications).

CeGaT Center for Human Genetics Tuebingen
Classification: Likely benign. Last evaluated: 2025-07-01. Review status: criteria provided, single submitter. Criteria: CeGaT Center For Human Genetics Tuebingen Variant Classification Criteria Version 2. Collection method: clinical testing. Allele origin: germline. Affected: yes. Observed: 8 variant alleles.
Comment: KCNT2: BP4, BS1

Blueprint Genetics
Classification: Likely benign. Last evaluated: 2024-09-13. Review status: criteria provided, single submitter. Criteria: ACMG Guidelines, 2015. Collection method: clinical testing. Allele origin: germline.

NM_198503.5(KCNT2):c.1080T>C (p.Leu360=)

Gene: KCNT2 (potassium sodium-activated channel subfamily T member 2; minus strand). Cytogenetic location: 1q31.3.
Variant type: single nucleotide variant.
Coding change: c.1080T>C on transcript NM_198503.5 (MANE Select); coding-DNA position 1080, T replaced by C.
Protein change: p.Leu360=; no amino-acid change (leucine 360 retained).
Molecular consequence: synonymous variant. On other transcripts: non-coding transcript variant (2).
Genome position (GRCh38, 1-based): chr1:196,425,893, A>G on the plus strand (T>C on the coding strand, the complement: KCNT2 is on the minus strand). VCF-style: chr1-196425893-A-G. GRCh37 (hg19) VCF-style: chr1-196395023-A-G.
Other names: c.1080T>C, p.Leu360= (NM_001287819.3, NM_001287820.3); c.1080T>C (NM_198503.3).
Identifiers: ClinVar variation 1879105 (VCV001879105.31), dbSNP rs74382287, ClinGen allele CA1304560.